The following is an entry in ClinVar:

ClinVar aggregate classification (germline): Uncertain significance (1 of 4 stars; one submission).

Conditions:
Charcot-Marie-Tooth disease type 4. Also called: Charcot-Marie-Tooth, Type 4; Charcot-Marie-Tooth disease, type IV. Identifiers: Orphanet 64749, MedGen C4082197, MONDO:0018995.

Submission:

Labcorp Genetics (formerly Invitae), Labcorp
Classification: Uncertain significance for Charcot-Marie-Tooth disease type 4. Last evaluated: 2022-11-02. Review status: criteria provided, single submitter. Criteria: Invitae Variant Classification Sherloc (09022015). Collection method: clinical testing. Allele origin: germline.
Comment: In summary, the available evidence is currently insufficient to determine the role of this variant in disease. Therefore, it has been classified as a Variant of Uncertain Significance. Advanced modeling of protein sequence and biophysical properties (such as structural, functional, and spatial information, amino acid conservation, physicochemical variation, residue mobility, and thermodynamic stability) performed at Invitae indicates that this missense variant is expected to disrupt SBF2 protein function. This variant has not been reported in the literature in individuals affected with SBF2-related conditions. This variant is not present in population databases (gnomAD no frequency). This sequence change replaces glutamic acid, which is acidic and polar, with glycine, which is neutral and non-polar, at codon 507 of the SBF2 protein (p.Glu507Gly).

NM_030962.4(SBF2):c.1520A>G (p.Glu507Gly)

Gene: SBF2 (SET binding factor 2; minus strand). Cytogenetic location: 11p15.4.
Variant type: single nucleotide variant.
Coding change: c.1520A>G on transcript NM_030962.4 (MANE Select); coding-DNA position 1520, A replaced by G.
Protein change: p.Glu507Gly; replaces glutamic acid 507 with glycine.
Molecular consequence: missense variant.
Genome position (GRCh38, 1-based): chr11:9,968,421, T>C on the plus strand (A>G on the coding strand, the complement: SBF2 is on the minus strand). VCF-style: chr11-9968421-T-C. GRCh37 (hg19) VCF-style: chr11-9989968-T-C.
Other names: c.1520A>G, p.Glu507Gly (NM_001386339.1); c.1391A>G, p.Glu464Gly (NM_001386342.1); c.1556A>G, p.Glu519Gly (NM_001424318.1, NM_001425069.1, NM_001425070.1); short protein forms E507G, E519G, E464G.
Identifiers: ClinVar variation 2693787 (VCV002693787.3), dbSNP rs2495918270, ClinGen allele CA379629948.